The following is an entry in ClinVar:

NM_014915.3(ANKRD26):c.4405A>G (p.Met1469Val)

Gene: ANKRD26 (ankyrin repeat domain containing 26; minus strand). Cytogenetic location: 10p12.1.
Variant type: single nucleotide variant.
Coding change: c.4405A>G on transcript NM_014915.3 (MANE Select); coding-DNA position 4405, A replaced by G.
Protein change: p.Met1469Val; replaces methionine 1469 with valine.
Molecular consequence: missense variant.
Genome position (GRCh38, 1-based): chr10:27,017,603, T>C on the plus strand (A>G on the coding strand, the complement: ANKRD26 is on the minus strand). VCF-style: chr10-27017603-T-C. GRCh37 (hg19) VCF-style: chr10-27306532-T-C.
Other names: c.4402A>G, p.Met1468Val (NM_001256053.2); short protein forms M1469V, M1468V.
Identifiers: ClinVar variation 3912689 (VCV003912689.1).

ClinVar aggregate classification (germline): Uncertain significance (1 of 4 stars; one submission).

Conditions:
Inborn genetic diseases. Identifiers: MedGen C0950123, MeSH D030342.

Submission:

Ambry Genetics
Classification: Uncertain significance for Inborn genetic diseases. Last evaluated: 2025-05-15. Review status: criteria provided, single submitter. Criteria: Ambry Variant Classification Scheme 2023. Collection method: clinical testing. Allele origin: germline.
Comment: The p.M1469V variant (also known as c.4405A>G), located in coding exon 30 of the ANKRD26 gene, results from an A to G substitution at nucleotide position 4405. The methionine at codon 1469 is replaced by valine, an amino acid with highly similar properties. This amino acid position is conserved. In addition, this alteration is predicted to be tolerated by in silico analysis. Based on the available evidence, the clinical significance of this variant remains unclear.